The following is an entry in ClinVar:

ClinVar aggregate classification (germline): Benign. Review status: criteria provided, multiple submitters, no conflicts (2 of 4 stars). 3 submissions from 3 submitters: Benign (3). Last evaluated 2024-10-22.

Conditions:
Congenital stromal corneal dystrophy (CSCD). Identifiers: Orphanet 101068, MedGen C1864738, MONDO:0012401, OMIM 610048.

Allele frequency attached by ClinVar (database versions not stated): gnomAD exomes 0.00041 and 0.00112; ExAC 0.00124; 1000 Genomes Project 0.00280; 1000 Genomes Project 30x 0.00328; gnomAD 0.00444 and 0.00491; TOPMed 0.00497; ESP Exome Variant Server 0.00546.
gnomAD v4.1: 1,297 of 1,611,946 alleles (0.08%); highest among the groups gnomAD compares: African/African-American, 1.6%; 7 homozygotes.

Submissions (3):

Labcorp Genetics (formerly Invitae), Labcorp
Classification: Benign. Last evaluated: 2024-10-22. Review status: criteria provided, single submitter. Criteria: Invitae Variant Classification Sherloc (09022015). Collection method: clinical testing. Allele origin: germline.

Illumina Laboratory Services, Illumina
Classification: Benign for Congenital stromal corneal dystrophy. Last evaluated: 2018-01-13. Review status: criteria provided, single submitter. Criteria: ICSL Variant Classification Criteria 13 December 2019. Collection method: clinical testing. Allele origin: germline.
Comment: This variant was observed in the ICSL laboratory as part of a predisposition screen in an ostensibly healthy population. It had not been previously curated by ICSL or reported in the Human Gene Mutation Database (HGMD: prior to June 1st, 2018), and was therefore a candidate for classification through an automated scoring system. Utilizing variant allele frequency, disease prevalence and penetrance estimates, and inheritance mode, an automated score was calculated to assess if this variant is too frequent to cause the disease. Based on the score and internal cut-off values, a variant classified as benign is not then subjected to further curation. The score for this variant resulted in a classification of benign for this disease.

Breakthrough Genomics
Classification: Benign. Review status: criteria provided, single submitter. Criteria: ACMG Guidelines, 2015. Collection method: not provided. Allele origin: germline. Inheritance: Autosomal dominant inheritance. Affected: yes.

NM_001920.5(DCN):c.917T>C (p.Val306Ala)

Gene: DCN (decorin; minus strand). Cytogenetic location: 12q21.33.
Variant type: single nucleotide variant.
Coding change: c.917T>C on transcript NM_001920.5 (MANE Select); coding-DNA position 917, T replaced by C.
Protein change: p.Val306Ala; replaces valine 306 with alanine.
Molecular consequence: missense variant. On other transcripts: 3 prime UTR variant (1).
Genome position (GRCh38, 1-based): chr12:91,146,221, A>G on the plus strand (T>C on the coding strand, the complement: DCN is on the minus strand). VCF-style: chr12-91146221-A-G. GRCh37 (hg19) VCF-style: chr12-91539998-A-G.
Other names: c.917T>C, p.Val306Ala (NM_133503.4); c.590T>C, p.Val197Ala (NM_133504.3); c.476T>C, p.Val159Ala (NM_133505.3); c.356T>C, p.Val119Ala (NM_133506.3); c.*15T>C (NM_133507.3); short protein forms V306A, V119A, V159A, V197A.
Identifiers: ClinVar variation 310654 (VCV000310654.15), dbSNP rs73358055, ClinGen allele CA6716901.
Genomic context (GRCh38, chr12:91,146,221, plus strand): 5'-CCCGAATAAGAAGCCTTTTTGGTGTTGTGTCCAGGTGGGCAGAAGTCACTTGATCCAACT[A>G]CAGAGATATTGTTGTTATGAAGGTAGACAACCTACAACATGAAACGATAGAAAATAATTA-3'
Protein context (NP_001911.1, residues 296-316): VVYLHNNNIS[Val306Ala]VGSSDFCPPG